The following is an entry in ClinVar:

ClinVar aggregate classification (germline): Uncertain significance (1 of 4 stars; one submission).

Conditions:
Combined immunodeficiency due to LRBA deficiency. Also called: Common variable immunodeficiency 8, with autoimmunity. Identifiers: Orphanet 445018, MedGen C3553512, MONDO:0013863, OMIM 614700.

Submission:

Labcorp Genetics (formerly Invitae), Labcorp
Classification: Uncertain significance for Combined immunodeficiency due to LRBA deficiency. Last evaluated: 2021-12-15. Review status: criteria provided, single submitter. Criteria: Invitae Variant Classification Sherloc (09022015). Collection method: clinical testing. Allele origin: germline.
Comment: Algorithms developed to predict the effect of missense changes on protein structure and function are either unavailable or do not agree on the potential impact of this missense change (SIFT: "Tolerated"; PolyPhen-2: "Probably Damaging"; Align-GVGD: "Class C0"). This variant has not been reported in the literature in individuals affected with LRBA-related conditions. This variant is not present in population databases (gnomAD no frequency). This sequence change replaces alanine, which is neutral and non-polar, with valine, which is neutral and non-polar, at codon 1967 of the LRBA protein (p.Ala1967Val). In summary, the available evidence is currently insufficient to determine the role of this variant in disease. Therefore, it has been classified as a Variant of Uncertain Significance.

NM_001364905.1(LRBA):c.5900C>T (p.Ala1967Val)

Gene: LRBA (LPS responsive beige-like anchor protein; minus strand). Cytogenetic location: 4q31.3.
Variant type: single nucleotide variant.
Coding change: c.5900C>T on transcript NM_001364905.1 (MANE Select); coding-DNA position 5900, C replaced by T.
Protein change: p.Ala1967Val; replaces alanine 1967 with valine.
Molecular consequence: missense variant.
Genome position (GRCh38, 1-based): chr4:150,683,572, G>A on the plus strand (C>T on the coding strand, the complement: LRBA is on the minus strand). VCF-style: chr4-150683572-G-A. GRCh37 (hg19) VCF-style: chr4-151604724-G-A.
Other names: c.5900C>T, p.Ala1967Val (NM_001199282.3, NM_001367550.1, NM_006726.5); short protein forms A1967V.
Identifiers: ClinVar variation 1397041 (VCV001397041.6), dbSNP rs1243504828, ClinGen allele CA358610085.